The following is an entry in ClinVar:

ClinVar aggregate classification (germline): Likely benign (1 of 4 stars; one submission).

Submission:

CeGaT Center for Human Genetics Tuebingen
Classification: Likely benign. Last evaluated: 2026-01-01. Review status: criteria provided, single submitter. Criteria: CeGaT Center For Human Genetics Tuebingen Variant Classification Criteria Version 2. Collection method: clinical testing. Allele origin: germline. Affected: yes. Observed: 2 variant alleles.
Comment: FAM230A: BP4, BP7

NC_000022.11:g.20356480G>A

Variant type: single nucleotide variant.
Genome position: GRCh38 VCF-style: chr22-20356480-G-A. GRCh37 (hg19) VCF-style: chr22-20710770-G-A.
Identifiers: ClinVar variation 4083993 (VCV004083993.8).